The following is an entry in ClinVar:

NM_001048174.2(MUTYH):c.895C>T (p.Pro299Ser)

Gene: MUTYH (mutY DNA glycosylase; minus strand). Cytogenetic location: 1p34.1.
Variant type: single nucleotide variant.
Coding change: c.895C>T on transcript NM_001048174.2 (MANE Select); coding-DNA position 895, C replaced by T.
Protein change: p.Pro299Ser; replaces proline 299 with serine.
Molecular consequence: missense variant. On other transcripts: non-coding transcript variant (2).
Genome position (GRCh38, 1-based): chr1:45,332,041, G>A on the plus strand (C>T on the coding strand, the complement: MUTYH is on the minus strand). VCF-style: chr1-45332041-G-A. GRCh37 (hg19) VCF-style: chr1-45797713-G-A.
Other names: c.895C>T, p.Pro299Ser (NM_001048171.2, NM_001048173.2, NM_001293195.2); c.898C>T, p.Pro300Ser (NM_001048172.2); c.979C>T, p.Pro327Ser (NM_001128425.2); c.940C>T, p.Pro314Ser (NM_001293190.2); c.928C>T, p.Pro310Ser (NM_001293191.2); c.619C>T, p.Pro207Ser (NM_001293192.2, NM_001293196.2); c.550C>T, p.Pro184Ser (NM_001350650.2, NM_001350651.2); c.970C>T, p.Pro324Ser (NM_012222.3); short protein forms P184S, P207S, P299S, P300S, P310S, P314S, P324S, P327S.
Identifiers: ClinVar variation 1309624 (VCV001309624.10), dbSNP rs867991237, ClinGen allele CA21836751.

ClinVar aggregate classification (germline): Conflicting classifications of pathogenicity. Review status: criteria provided, conflicting classifications (1 of 4 stars). 6 submissions from 6 submitters: Uncertain significance (5); Likely benign (1). Last evaluated 2024-12-18.

Conditions:
Hereditary cancer-predisposing syndrome. Also called: Tumor predisposition; Hereditary Cancer Syndrome; Hereditary neoplastic syndrome; Neoplastic Syndromes, Hereditary. Identifiers: Orphanet 140162, MedGen C0027672, MeSH D009386, MONDO:0015356.
Familial adenomatous polyposis 2. Also called: MUTYH Polyposis; MUTYH-associated polyposis; MUTYH-related attenuated familial adenomatous polyposis; Adenomas, multiple colorectal; COLORECTAL ADENOMATOUS POLYPOSIS, AUTOSOMAL RECESSIVE; ADENOMAS, MULTIPLE COLORECTAL, AUTOSOMAL RECESSIVE. Identifiers: Orphanet 220460, Orphanet 247798, MedGen C3272841, MONDO:0012041, OMIM 608456.

gnomAD v4.1: 3 of 1,614,214 alleles (0.00019%); highest among the groups gnomAD compares: Middle Eastern, 0.016%; no homozygotes.

Submissions (6):

Molecular Diagnostics Laboratory, Catalan Institute of Oncology
Classification: Uncertain significance for Hereditary cancer-predisposing syndrome. Last evaluated: 2024-12-18. Review status: criteria provided, single submitter. Criteria: ACMG Guidelines, 2015. Collection method: clinical testing. Allele origin: germline.
Comment: PM2_Supporting, BP4_Moderate c.979C>T, located in exon 11 of the MUTYH gene, is predicted to result in the substitution of Pro by Ser at codon 327, p.(Pro327Ser). It is not present in the population database gnomAD v2.1.1, non cancer dataset (PM2_supporting). The SpliceAI algorithm predicts no significant impact on splicing. The REVEL meta-predictor score (0,043) for this variant suggests that it does not affect the protein function according Pejaver 2022 thresholds (PMID:36413997) (BP4_Moderate). To our knowledge, neither clinical data nor functional studies have been reported for this variant, and there are no reports of pathogenic missense variants in the same codon. The variant has not been identified neither ClinVar nor LOVD databases. Based on currently available information, the variant c.979C>T should be considered an uncertain significance variant.

Labcorp Genetics (formerly Invitae), Labcorp
Classification: Uncertain significance for Familial adenomatous polyposis 2. Last evaluated: 2024-03-14. Review status: criteria provided, single submitter. Criteria: Invitae Variant Classification Sherloc (09022015). Collection method: clinical testing. Allele origin: germline.
Comment: This sequence change replaces proline, which is neutral and non-polar, with serine, which is neutral and polar, at codon 327 of the MUTYH protein (p.Pro327Ser). This variant is not present in population databases (gnomAD no frequency). This variant has not been reported in the literature in individuals affected with MUTYH-related conditions. ClinVar contains an entry for this variant (Variation ID: 1309624). An algorithm developed to predict the effect of missense changes on protein structure and function (PolyPhen-2) suggests that this variant is likely to be tolerated. In summary, the available evidence is currently insufficient to determine the role of this variant in disease. Therefore, it has been classified as a Variant of Uncertain Significance.

All of Us Research Program, National Institutes of Health
Classification: Uncertain significance for Familial adenomatous polyposis 2. Last evaluated: 2023-12-06. Review status: criteria provided, single submitter. Criteria: ACMG Guidelines, 2015. Collection method: clinical testing. Allele origin: germline. Inheritance: Autosomal recessive inheritance. Observed: 1 variant allele, 1 heterozygote.
Comment: This study involves interpretation of variants in research participants for the purpose of population health screening. Participant phenotype was not available at the time of variant classification. Additional details can be found in publication PMID: 35346344, PMCID: PMC8962531

Ambry Genetics
Classification: Likely benign for Hereditary cancer-predisposing syndrome. Last evaluated: 2023-11-16. Review status: criteria provided, single submitter. Criteria: Ambry Variant Classification Scheme 2023. Collection method: clinical testing. Allele origin: germline.

Sema4
Classification: Uncertain significance for Hereditary cancer-predisposing syndrome. Last evaluated: 2021-05-06. Review status: criteria provided, single submitter. Criteria: Sema4 Curation Guidelines. Collection method: curation. Allele origin: germline.
Comment: The MUTYH c.979C>T (p.P327S) variant has not been reported in the literature to our knowledge. It was not observed in the large and broad cohorts of the Genome Aggregation Database (PMID: 32461654). The variant has not been reported in ClinVar. In silico tools suggest the impact of the variant on protein function is benign, though these predictions have not been confirmed by functional studies. The evidence is insufficient to meet ACMG/AMP criteria for classifying the variant as benign or pathogenic. Thus, the clinical significance of this variant is currently uncertain.

GeneDx
Classification: Uncertain significance. Last evaluated: 2019-10-22. Review status: criteria provided, single submitter. Criteria: GeneDx Variant Classification Process June 2021. Collection method: clinical testing. Allele origin: germline. Affected: yes.
Comment: Not observed in large population cohorts (Lek 2016); In silico analysis, which includes protein predictors and evolutionary conservation, supports that this variant does not alter protein structure/function; Has not been previously published as pathogenic or benign to our knowledge